The following is an entry in ClinVar:

NM_018297.4(NGLY1):c.1789+1G>T

Gene: NGLY1 (N-glycanase 1; minus strand). Cytogenetic location: 3p24.2.
Variant type: single nucleotide variant.
Coding change: c.1789+1G>T on transcript NM_018297.4 (MANE Select); the canonical splice donor site of the intron after coding-DNA position 1789, G replaced by T.
Molecular consequence: splice donor variant. On other transcripts: intron variant (1).
Genome position (GRCh38, 1-based): chr3:25,720,013, C>A on the plus strand (G>T on the coding strand, the complement: NGLY1 is on the minus strand). VCF-style: chr3-25720013-C-A. GRCh37 (hg19) VCF-style: chr3-25761504-C-A.
Other names: c.1663+1G>T (NM_001145294.2); c.1612-378G>T (NM_001145295.2); c.1735+1G>T (NM_001145293.2).
Identifiers: ClinVar variation 504346 (VCV000504346.2), dbSNP rs1261363915, ClinGen allele CA351893792.

ClinVar aggregate classification (germline): Pathogenic (1 of 4 stars; one submission).

Submission:

GeneDx
Classification: Pathogenic. Last evaluated: 2018-02-21. Review status: criteria provided, single submitter. Criteria: GeneDx Variant Classification (06012015). Collection method: clinical testing. Allele origin: germline. Affected: yes.
Comment: The c.1789+1G>T variant in the NGLY1 gene has not been reported previously as a pathogenic variant nor as a benign variant, to our knowledge. This splice site variant destroys the canonical splice donor site in intron 11. It is predicted to cause abnormal gene splicing, either leading to an abnormal message that is subject to nonsense-mediated mRNA decay, or to an abnormal protein product if the message is used for protein translation. The c.1789+1G>T variant is not observed in large population cohorts (Lek et al., 2016). We interpret c.1789+1G>T as a pathogenic variant.